The following is an entry in ClinVar:

NM_152906.7(TANGO2):c.539G>C (p.Arg180Pro)

Gene: TANGO2 (transport and golgi organization 2 homolog; plus strand). Cytogenetic location: 22q11.21.
Variant type: single nucleotide variant.
Coding change: c.539G>C on transcript NM_152906.7 (MANE Select); coding-DNA position 539, G replaced by C.
Protein change: p.Arg180Pro; replaces arginine 180 with proline.
Molecular consequence: missense variant. On other transcripts: non-coding transcript variant (3), intron variant (4).
Genome position (GRCh38, 1-based): chr22:20,061,617, G>C. VCF-style: chr22-20061617-G-C. GRCh37 (hg19) VCF-style: chr22-20049140-G-C.
Other names: c.539G>C, p.Arg180Pro (NM_001283106.3, NM_001283116.3, NM_001283148.3 and 2 more transcripts); c.662G>C, p.Arg221Pro (NM_001283129.3, NM_001322141.2, NM_001322143.2 and 1 more transcripts); c.353G>C, p.Arg118Pro (NM_001283179.3, NM_001283186.3, NM_001322163.2 and 3 more transcripts); c.245G>C, p.Arg82Pro (NM_001283235.3, NM_001322150.2, NM_001322153.2 and 6 more transcripts); c.476G>C, p.Arg159Pro (NM_001322145.2, NM_001322147.2); c.437G>C, p.Arg146Pro (NM_001322146.2, NM_001322148.2, NM_001322160.2); c.381-1721G>C (NM_001283199.3); c.575-2925G>C (NM_001283215.3); and 3 more; short protein forms R159P, R146P, R118P, R221P, R82P, R180P.
Identifiers: ClinVar variation 2172488 (VCV002172488.2), dbSNP rs914146516, ClinGen allele CA322143452.
Genomic context (GRCh38, chr22:20,061,617, plus strand): 5'-TGGAGACTCCCTGGAGGAAGCTGTGCTTTGGGAAGCAGCTCTTCCTGGAGGCTGTGGAAC[G>C]GAGCCAGGCGCTGCCCAAGGATGTGCTCATCGCCAGCCTCCTGGATGTGCTCAACAATGA-3'
Protein context (NP_690870.3, residues 170-190): GKQLFLEAVE[Arg180Pro]SQALPKDVLI

ClinVar aggregate classification (germline): Uncertain significance. Review status: criteria provided, multiple submitters, no conflicts (2 of 4 stars). 2 submissions from 2 submitters: Uncertain significance (2). Last evaluated 2024-03-15.

Conditions:
Inborn genetic diseases. Identifiers: MedGen C0950123, MeSH D030342.

gnomAD v4.1: 8 of 1,577,582 alleles (0.00051%); highest among the groups gnomAD compares: Admixed American, 0.013%; no homozygotes.

Submissions (2):

Ambry Genetics
Classification: Uncertain significance for Inborn genetic diseases. Last evaluated: 2024-03-15. Review status: criteria provided, single submitter. Criteria: Ambry Variant Classification Scheme 2023. Collection method: clinical testing. Allele origin: germline.

Labcorp Genetics (formerly Invitae), Labcorp
Classification: Uncertain significance. Last evaluated: 2022-08-20. Review status: criteria provided, single submitter. Criteria: Invitae Variant Classification Sherloc (09022015). Collection method: clinical testing. Allele origin: germline.
Comment: This sequence change replaces arginine, which is basic and polar, with proline, which is neutral and non-polar, at codon 180 of the TANGO2 protein (p.Arg180Pro). This variant is not present in population databases (gnomAD no frequency). This variant has not been reported in the literature in individuals affected with TANGO2-related conditions. Algorithms developed to predict the effect of missense changes on protein structure and function are either unavailable or do not agree on the potential impact of this missense change (SIFT: "Not Available"; PolyPhen-2: "Possibly Damaging"; Align-GVGD: "Not Available"). In summary, the available evidence is currently insufficient to determine the role of this variant in disease. Therefore, it has been classified as a Variant of Uncertain Significance.